The following is an entry in ClinVar:

ClinVar aggregate classification (germline): Uncertain significance. Review status: criteria provided, multiple submitters, no conflicts (2 of 4 stars). 3 submissions from 3 submitters: Uncertain significance (2). 1 of the submissions does not count toward it. Last evaluated 2025-04-17.

Conditions:
Hereditary cancer-predisposing syndrome. Also called: Tumor predisposition; Neoplastic Syndromes, Hereditary; Hereditary neoplastic syndrome; Hereditary Cancer Syndrome. Identifiers: Orphanet 140162, MedGen C0027672, MeSH D009386, MONDO:0015356.
Gorlin syndrome. Also called: Nevoid Basal Cell Carcinoma Syndrome; Basal cell nevus syndrome. Identifiers: Orphanet 377, MedGen C0004779, MONDO:0007187.

Allele frequency attached by ClinVar (database versions not stated): gnomAD exomes 0.00002; TOPMed below 0.00001.
gnomAD v4.1: 25 of 1,613,954 alleles (0.0015%); highest among the groups gnomAD compares: Non-Finnish European, 0.002%; no homozygotes.

Submissions (3):

Labcorp Genetics (formerly Invitae), Labcorp
Classification: Uncertain significance for Gorlin syndrome. Last evaluated: 2025-04-17. Review status: criteria provided, single submitter. Criteria: Invitae Variant Classification Sherloc (09022015). Collection method: clinical testing. Allele origin: germline.
Comment: This sequence change replaces leucine, which is neutral and non-polar, with arginine, which is basic and polar, at codon 697 of the PTCH1 protein (p.Leu697Arg). This variant is not present in population databases (gnomAD no frequency). This variant has not been reported in the literature in individuals affected with PTCH1-related conditions. ClinVar contains an entry for this variant (Variation ID: 41653). Invitae Evidence Modeling of protein sequence and biophysical properties (such as structural, functional, and spatial information, amino acid conservation, physicochemical variation, residue mobility, and thermodynamic stability) indicates that this missense variant is not expected to disrupt PTCH1 protein function with a negative predictive value of 95%. In summary, the available evidence is currently insufficient to determine the role of this variant in disease. Therefore, it has been classified as a Variant of Uncertain Significance.

Ambry Genetics
Classification: Uncertain significance for Hereditary cancer-predisposing syndrome. Last evaluated: 2025-02-11. Review status: criteria provided, single submitter. Criteria: Ambry Variant Classification Scheme 2023. Collection method: clinical testing. Allele origin: germline.
Comment: The p.L697R variant (also known as c.2090T>G), located in coding exon 14 of the PTCH1 gene, results from a T to G substitution at nucleotide position 2090. The leucine at codon 697 is replaced by arginine, an amino acid with dissimilar properties. This amino acid position is well conserved in available vertebrate species. In addition, the in silico prediction for this alteration is inconclusive. Since supporting evidence is limited at this time, the clinical significance of this alteration remains unclear.

Biesecker Lab/Clinical Genomics Section, National Institutes of Health
Classification: Uncertain significance. Last evaluated: 2012-07-13. Review status: no assertion criteria provided. Collection method: research. Allele origin: germline. Affected: no. Observed: 1 variant allele. Study: ClinSeq. Not counted in ClinVar's aggregate classification.
ClinVar note: Converted during submission from variant of unknown significance to Uncertain significance.

NM_000264.5(PTCH1):c.2090T>G (p.Leu697Arg)

Genes: PTCH1 (patched 1; minus strand), LOC100507346 (uncharacterized LOC100507346; plus strand). Cytogenetic location: 9q22.32.
Variant type: single nucleotide variant.
Coding change: c.2090T>G on transcript NM_000264.5 (MANE Select); coding-DNA position 2090, T replaced by G.
Protein change: p.Leu697Arg; replaces leucine 697 with arginine.
Molecular consequence: missense variant. On other transcripts: non-coding transcript variant (2).
Genome position (GRCh38, 1-based): chr9:95,468,911, A>C on the plus strand (T>G on the coding strand, the complement: PTCH1 is on the minus strand). VCF-style: chr9-95468911-A-C. GRCh37 (hg19) VCF-style: chr9-98231193-A-C.
Other names: c.1892T>G, p.Leu631Arg (NM_001083602.3); c.2087T>G, p.Leu696Arg (NM_001083603.3); c.1637T>G, p.Leu546Arg (NM_001083604.3, NM_001083605.3, NM_001083606.3 and 1 more transcripts); c.1934T>G, p.Leu645Arg (NM_001354918.2); short protein forms L631R, L697R, L696R, L546R, L645R.
Identifiers: ClinVar variation 41653 (VCV000041653.16), dbSNP rs199892130, ClinGen allele CA215685.